The following is an entry in ClinVar:

ClinVar aggregate classification (germline): Uncertain significance (1 of 4 stars; one submission).

Submission:

Women's Health and Genetics/Laboratory Corporation of America, LabCorp
Classification: Uncertain significance. Last evaluated: 2025-02-05. Review status: criteria provided, single submitter. Criteria: LabCorp Variant Classification Summary - May 2015. Collection method: clinical testing. Allele origin: germline.
Comment: Variant summary: The variant involves the deletion of exon 7 in the CPT1C gene. A presumed nomenclature of c.(555+1_556-1)_(693+1_694-1)del has been designated for the purposes of this classification. This Copy Number Variant (CNV) is predicted to result in an in-frame deletion within this gene. The variant was absent in 21694 control chromosomes. The available data on variant occurrences in the general population are insufficient to allow any conclusion about variant significance. To our knowledge, no occurrence of c.(555+1_556-1)_(693+1_694-1)del in individuals affected with Hereditary Spastic Paraplegia 73 and no experimental evidence demonstrating its impact on protein function have been reported. No submitters have cited clinical-significance assessments for this variant to ClinVar. Based on the evidence outlined above, the variant was classified as uncertain significance.

NC_000019.9:g.(50204676_50204753)_(50204892_50207966)del

Gene: CPT1C (carnitine palmitoyltransferase 1C; plus strand). Cytogenetic location: 19q13.33.
Variant type: Deletion.
Identifiers: ClinVar variation 3768754 (VCV003768754.1).